The following is an entry in ClinVar:

ClinVar aggregate classification (germline): Uncertain significance. Review status: criteria provided, multiple submitters, no conflicts (2 of 4 stars). 2 submissions from 2 submitters: Uncertain significance (2). Last evaluated 2025-10-07.

Conditions:
Hereditary spastic paraplegia 73. Also called: Spastic paraplegia 73, autosomal dominant. Identifiers: Orphanet 444099, MedGen C5568981, MONDO:0014568, OMIM 616282.

gnomAD v4.1: 32 of 1,613,992 alleles (0.002%); highest among the groups gnomAD compares: Non-Finnish European, 0.0025%; no homozygotes.

Submissions (3):

Ambry Genetics
Classification: Uncertain significance. Last evaluated: 2025-10-07. Review status: criteria provided, single submitter. Criteria: Ambry Variant Classification Scheme 2023. Collection method: clinical testing. Allele origin: germline.

Labcorp Genetics (formerly Invitae), Labcorp
Classification: Uncertain significance for Hereditary spastic paraplegia 73. Last evaluated: 2024-05-22. Review status: criteria provided, single submitter. Criteria: Invitae Variant Classification Sherloc (09022015). Collection method: clinical testing. Allele origin: germline.
Comment: This sequence change replaces arginine, which is basic and polar, with leucine, which is neutral and non-polar, at codon 277 of the CPT1C protein (p.Arg277Leu). This variant is present in population databases (rs143361095, gnomAD 0.003%). This variant has not been reported in the literature in individuals affected with CPT1C-related conditions. ClinVar contains an entry for this variant (Variation ID: 2290474). Advanced modeling of protein sequence and biophysical properties (such as structural, functional, and spatial information, amino acid conservation, physicochemical variation, residue mobility, and thermodynamic stability) performed at Invitae indicates that this missense variant is not expected to disrupt CPT1C protein function with a negative predictive value of 80%. In summary, the available evidence is currently insufficient to determine the role of this variant in disease. Therefore, it has been classified as a Variant of Uncertain Significance.

Dr. Peter K. Rogan Lab, Western University
No classification provided (evidence only). Condition: Lung cancer. Review status: no classification provided. Collection method: in vitro. Allele origin: not applicable. Functional consequence: retained intron. Not counted in ClinVar's aggregate classification.

NM_001199753.2(CPT1C):c.863G>T (p.Arg288Leu)

Gene: CPT1C (carnitine palmitoyltransferase 1C; plus strand). Cytogenetic location: 19q13.33.
Variant type: single nucleotide variant.
Coding change: c.863G>T on transcript NM_001199753.2 (MANE Select); coding-DNA position 863, G replaced by T.
Protein change: p.Arg288Leu; replaces arginine 288 with leucine.
Molecular consequence: missense variant. On other transcripts: non-coding transcript variant (1).
Genome position (GRCh38, 1-based): chr19:49,705,098, G>T. VCF-style: chr19-49705098-G-T. GRCh37 (hg19) VCF-style: chr19-50208355-G-T.
Other names: c.830G>T, p.Arg277Leu (NM_001136052.3, NM_001378482.1, NM_001378485.1 and 1 more transcripts); c.863G>T, p.Arg288Leu (NM_001199752.3, NM_001378483.1, NM_001378484.1 and 3 more transcripts); short protein forms R277L, R288L.
Identifiers: ClinVar variation 2290474 (VCV002290474.6), dbSNP rs143361095, ClinGen allele CA9581984.